The following is an entry in ClinVar:

NM_002838.5(PTPRC):c.101-3C>G

Gene: PTPRC (protein tyrosine phosphatase receptor type C; plus strand). Cytogenetic location: 1q31.3.
Variant type: single nucleotide variant.
Coding change: c.101-3C>G on transcript NM_002838.5 (MANE Select); 3 bases into the intron before coding-DNA position 101, C replaced by G.
Molecular consequence: intron variant.
Genome position (GRCh38, 1-based): chr1:198,696,709, C>G. VCF-style: chr1-198696709-C-G. GRCh37 (hg19) VCF-style: chr1-198665838-C-G.
Other names: c.100+4336C>G (NM_080921.4).
Identifiers: ClinVar variation 1403070 (VCV001403070.3), dbSNP rs896355135, ClinGen allele CA36182368.

ClinVar aggregate classification (germline): Uncertain significance (1 of 4 stars; one submission).

Conditions:
Immunodeficiency 104. Also called: SCID, AUTOSOMAL RECESSIVE, T CELL-NEGATIVE, B CELL-POSITIVE, NK CELL-POSITIVE; IMMUNODEFICIENCY 104, SEVERE COMBINED; Severe combined immunodeficiency, autosomal recessive, T cell-negative, B cell-positive, NK cell-positive; Severe Combined Immune Deficiency, Autosomal Recessive, TCell -Negative, B Cell-Positive, NK Cell-Positive, IL7R-Related. Identifiers: MedGen C5676890, MONDO:0012163, OMIM 608971.

Allele frequency attached by ClinVar (database versions not stated): gnomAD exomes below 0.00001 and 0.00005; gnomAD 0.00001; TOPMed 0.00003.
gnomAD v4.1: 71 of 1,611,736 alleles (0.0044%); highest among the groups gnomAD compares: Non-Finnish European, 0.0059%; no homozygotes.

Submission:

Labcorp Genetics (formerly Invitae), Labcorp
Classification: Uncertain significance for Immunodeficiency 104. Last evaluated: 2022-02-03. Review status: criteria provided, single submitter. Criteria: Invitae Variant Classification Sherloc (09022015). Collection method: clinical testing. Allele origin: germline.
Comment: This sequence change falls in intron 3 of the PTPRC gene. It does not directly change the encoded amino acid sequence of the PTPRC protein. It affects a nucleotide within the consensus splice site. This variant is present in population databases (no rsID available, gnomAD 0.0009%). This variant has not been reported in the literature in individuals affected with PTPRC-related conditions. Variants that disrupt the consensus splice site are a relatively common cause of aberrant splicing (PMID: 17576681, 9536098). Algorithms developed to predict the effect of sequence changes on RNA splicing suggest that this variant may disrupt the consensus splice site. In summary, the available evidence is currently insufficient to determine the role of this variant in disease. Therefore, it has been classified as a Variant of Uncertain Significance.

Literature cited by the submitters: PubMed 17576681; PubMed 9536098.